The following is an entry in ClinVar:

NM_000264.5(PTCH1):c.158C>T (p.Pro53Leu)

Genes: PTCH1 (patched 1; minus strand), LOC130002133 (ATAC-STARR-seq lymphoblastoid silent region 20071; plus strand). Cytogenetic location: 9q22.32.
Variant type: single nucleotide variant.
Coding change: c.158C>T on transcript NM_000264.5 (MANE Select); coding-DNA position 158, C replaced by T.
Protein change: p.Pro53Leu; replaces proline 53 with leucine.
Molecular consequence: missense variant. On other transcripts: non-coding transcript variant (1), intron variant (3).
Genome position (GRCh38, 1-based): chr9:95,508,204, G>A on the plus strand (C>T on the coding strand, the complement: PTCH1 is on the minus strand). VCF-style: chr9-95508204-G-A. GRCh37 (hg19) VCF-style: chr9-98270486-G-A.
Other names: c.158C>T, p.Pro53Leu (NM_001354918.2); c.199-1605C>T (NM_001083603.3); c.4-1605C>T (NM_001083602.3, NM_001354919.2); short protein forms P53L.
Identifiers: ClinVar variation 216372 (VCV000216372.23), dbSNP rs372546614, ClinGen allele CA338476.

ClinVar aggregate classification (germline): Conflicting classifications of pathogenicity. Review status: criteria provided, conflicting classifications (1 of 4 stars). 5 submissions from 5 submitters: Uncertain significance (4); Benign (1). Last evaluated 2026-05-01.

Conditions:
Hereditary cancer-predisposing syndrome. Also called: Neoplastic Syndromes, Hereditary; Tumor predisposition; Hereditary Cancer Syndrome; Hereditary neoplastic syndrome. Identifiers: Orphanet 140162, MedGen C0027672, MeSH D009386, MONDO:0015356.
Gorlin syndrome. Also called: Nevoid Basal Cell Carcinoma Syndrome; Basal cell nevus syndrome. Identifiers: Orphanet 377, MedGen C0004779, MONDO:0007187.
PTCH1-related disorder. Also called: PTCH1-related disorders; PTCH1-related condition.

Allele frequency attached by ClinVar (database versions not stated): ESP Exome Variant Server 0.00008; gnomAD exomes below 0.00001 and 0.00001; TOPMed 0.00001.
gnomAD v4.1: 4 of 1,612,442 alleles (0.00025%); highest among the groups gnomAD compares: Admixed American, 0.0017%; no homozygotes.

Submissions (5):

Ambry Genetics
Classification: Uncertain significance for Hereditary cancer-predisposing syndrome. Last evaluated: 2026-05-01. Review status: criteria provided, single submitter. Criteria: Ambry Variant Classification Scheme 2023. Collection method: clinical testing. Allele origin: germline.
Comment: The p.P53L variant (also known as c.158C>T), located in coding exon 1 of the PTCH1 gene, results from a C to T substitution at nucleotide position 158. The proline at codon 53 is replaced by leucine, an amino acid with similar properties. This variant was detected as heterozygous in individual(s) with no reported features of PTCH1-related nevoid basal cell carcinoma syndrome (Ambry internal data). This amino acid position is highly conserved in available vertebrate species. In addition, this alteration is predicted to be deleterious by in silico analysis. Since supporting evidence is limited at this time, the clinical significance of this alteration remains unclear.

PreventionGenetics, part of Exact Sciences
Classification: Uncertain significance for PTCH1-related condition. Last evaluated: 2026-03-10. Review status: criteria provided, single submitter. Criteria: ACMG Guidelines, 2015. Collection method: clinical testing. Allele origin: germline.
Comment: The PTCH1 c.158C>T variant is predicted to result in the amino acid substitution p.Pro53Leu. To our knowledge, this variant has not been reported in the literature. This variant is reported in 0.010% of alleles in individuals of Ashkenazi Jewish descent in gnomAD and has conflicting interpretations ranging from uncertain significance to benign in ClinVar (Variation ID: 216372). At this time, the clinical significance of this variant is uncertain due to the absence of conclusive functional and genetic evidence.

Labcorp Genetics (formerly Invitae), Labcorp
Classification: Benign for Gorlin syndrome. Last evaluated: 2025-10-13. Review status: criteria provided, single submitter. Criteria: Invitae Variant Classification Sherloc (09022015). Collection method: clinical testing. Allele origin: germline.

Sema4
Classification: Uncertain significance for Hereditary cancer-predisposing syndrome. Last evaluated: 2021-07-21. Review status: criteria provided, single submitter. Criteria: Sema4 Curation Guidelines. Collection method: curation. Allele origin: germline.
Comment: To the best of our knowledge, the PTCH1 c.158C>T (p.P53L) variant has not been reported in individuals with PTCH1-related disease. This variant was observed in 1/9980 chromosomes in the Ashkenazi Jewish population according to the Genome Aggregation Database (PMID: 32461654) and has been reported in ClinVar (Variation ID: 216372). In silico tools suggest the impact of the variant on protein function is deleterious, though these predictions have not been confirmed by functional studies. Based on the current evidence available, this variant is interpreted as a variant of uncertain significance.

Baylor Genetics
Classification: Uncertain significance for Basal cell nevus syndrome 1. Last evaluated: 2020-09-24. Review status: criteria provided, single submitter. Criteria: ACMG Guidelines, 2015. Collection method: clinical testing. Allele origin: maternal. Affected: yes. Study: CSER-TexasKidsCanSeq.
Comment: This variant was determined to be of uncertain significance according to ACMG Guidelines, 2015 [PMID:25741868].